The following is an entry in ClinVar:

ClinVar aggregate classification (germline): Pathogenic/Likely pathogenic. Review status: criteria provided, multiple submitters, no conflicts (2 of 4 stars). 6 submissions from 6 submitters: Pathogenic (1); Likely pathogenic (3). 2 of the submissions do not count toward it. Last evaluated 2025-06-24.

Conditions:
ABCA4-related disorder. Also called: ABCA4-related condition; ABCA4-related disorders. Identifiers: MedGen CN239167.
Stargardt disease (FFM). Also called: Stargardt's disease; Fundus flavimaculatus. Identifiers: Orphanet 827, MedGen C0271093, MONDO:0019353.
Severe early-childhood-onset retinal dystrophy (STGD1). Also called: Stargardt macular dystrophy; Juvenile onset macular degeneration; Stargardt disease 1; MACULAR DYSTROPHY WITH FLECKS, TYPE 1; STGD. Identifiers: Orphanet 364055, Orphanet 827, MedGen C1855465, MeSH D000080362, MONDO:0009549, OMIM 248200.
Retinal dystrophy. Also called: Inherited retinal dystrophy. Identifiers: Orphanet 71862, MedGen C0854723, MeSH D058499, MONDO:0019118, HP:0000556.

Allele frequency attached by ClinVar (database versions not stated): TOPMed 0.00001; gnomAD exomes 0.00003; ExAC 0.00002.
gnomAD v4.1: 8 of 1,614,066 alleles (0.0005%); highest among the groups gnomAD compares: Admixed American, 0.013%; no homozygotes.

Submissions (6):

GeneDx
Classification: Likely pathogenic. Last evaluated: 2025-06-24. Review status: criteria provided, single submitter. Criteria: GeneDx Variant Classification Process June 2021. Collection method: clinical testing. Allele origin: germline. Affected: yes.
Comment: RNA studies demonstrate a damaging effect: skipping of exon 33 (PMID: 37705246); In silico analysis is inconclusive as to whether the variant alters gene splicing. In the absence of RNA/functional studies, the actual effect of this sequence change is unknown.; This variant is associated with the following publications: (PMID: 36087940, 39162841, 37705246)

Labcorp Genetics (formerly Invitae), Labcorp
Classification: Pathogenic. Last evaluated: 2024-10-07. Review status: criteria provided, single submitter. Criteria: Invitae Variant Classification Sherloc (09022015). Collection method: clinical testing. Allele origin: germline.
Comment: This sequence change affects codon 1591 of the ABCA4 mRNA. It is a 'silent' change, meaning that it does not change the encoded amino acid sequence of the ABCA4 protein. This variant also falls at the last nucleotide of exon 33, which is part of the consensus splice site for this exon. This variant is present in population databases (rs751844313, gnomAD 0.02%). This variant has been observed in individuals with clinical features of Stargardt disease (internal data). ClinVar contains an entry for this variant (Variation ID: 866944). Variants that disrupt the consensus splice site are a relatively common cause of aberrant splicing (PMID: 17576681, 9536098). Algorithms developed to predict the effect of sequence changes on RNA splicing suggest that this variant may disrupt the consensus splice site. This variant disrupts the c.4773G nucleotide in the ABCA4 gene. Other variant(s) that disrupt this nucleotide have been determined to be pathogenic (PMID: 23982839, 24677105, 29162642). This suggests that this nucleotide is clinically significant, and that variants that disrupt this position are likely to be disease-causing. For these reasons, this variant has been classified as Pathogenic.

Laboratory for Molecular Medicine, Mass General Brigham Personalized Medicine
Classification: Likely pathogenic for Stargardt disease. Last evaluated: 2024-02-12. Review status: criteria provided, single submitter. Criteria: ACMG Guidelines, 2015. Collection method: clinical testing. Allele origin: germline. Inheritance: Autosomal recessive inheritance.
Comment: The p.Gly1591Gly (c.4773G>T) variant in ABCA4 has been reported in the compound heterozygous state in 3 individuals with Stargardt disease (Invitae pers. comm.). This variant has also been reported by other clinical laboratories in ClinVar (Variation ID 866944). It was absent from large population studies (gnomAD v.3.2.1.). Although this silent variant does not alter an amino acid residue, it is located in the last base of the exon, which is part of the 5’ splice region. Computational tools suggest an impact to splicing. A different variant at the same nucleotide position (c.4773G>C, p.Gly1591Gly) has been reported in the compound heterozygous state with other disease causing variants in ABCA4 in at least 2 individuals with Stargardt disease (Fujinami 2013 PMID: 23982839; Burke 2014 PMID: 24677105). Additionally, in vitro functional mini-gene splicing studies have shown that the c.4773G>C change causes aberrant splicing with no correctly spliced mRNA that leads to skipping of exon 33 and results in a premature stop codon (Sangermano 2018 PMID: 29162642), suggesting that variants at this position are likely to disrupt RNA splicing. In summary, although additional studies are required to fully establish its clinical significance, this variant meets criteria to be classified as likely pathogenic for autosomal recessive Stargardt disease. ACMG/AMP Criteria applied: PM3, PS3_Moderate, PM2_Supporting, PP3.

Blueprint Genetics
Classification: Likely pathogenic for ABCA4-related disorders. Last evaluated: 2022-09-02. Review status: criteria provided, single submitter. Criteria: ACMG Guidelines, 2015. Collection method: clinical testing. Allele origin: germline. Affected: yes. Observed: 4 variant alleles.

Institute of Human Genetics, Univ. Regensburg, Univ. Regensburg
Classification: Likely pathogenic for Retinal dystrophy. Last evaluated: 2018-01-01. Review status: no assertion criteria provided. Criteria: ACMG Guidelines, 2015. Collection method: clinical testing. Allele origin: germline. Affected: yes. Not counted in ClinVar's aggregate classification.

Ophthalmo-Genetics Lab, Instituto de Oftalmologia Conde de Valenciana
Classification: Likely pathogenic for Severe early-childhood-onset retinal dystrophy. Review status: no assertion criteria provided. Collection method: research. Allele origin: germline. Inheritance: Autosomal recessive inheritance. Affected: yes. Not counted in ClinVar's aggregate classification.

Literature cited by the submitters: PubMed 17576681 (cited by Labcorp Genetics (formerly Invitae), Labcorp); PubMed 9536098 (cited by Labcorp Genetics (formerly Invitae), Labcorp); PubMed 23982839 (cited by Labcorp Genetics (formerly Invitae), Labcorp and Laboratory for Molecular Medicine, Mass General Brigham Personalized Medicine); PubMed 24677105 (cited by 3 submitters); PubMed 29162642 (cited by Labcorp Genetics (formerly Invitae), Labcorp and Laboratory for Molecular Medicine, Mass General Brigham Personalized Medicine).

NM_000350.3(ABCA4):c.4773G>T (p.Gly1591=)

Genes: ABCA4 (ATP binding cassette subfamily A member 4; minus strand), LOC126805793 (CDK7 strongly-dependent group 2 enhancer GRCh37_chr1:94486302-94487501; plus strand). Cytogenetic location: 1p22.1.
Variant type: single nucleotide variant.
Coding change: c.4773G>T on transcript NM_000350.3 (MANE Select); coding-DNA position 4773, G replaced by T.
Protein change: p.Gly1591=; no amino-acid change (glycine 1591 retained).
Molecular consequence: synonymous variant.
Genome position (GRCh38, 1-based): chr1:94,021,846, C>A on the plus strand (G>T on the coding strand, the complement: ABCA4 is on the minus strand). VCF-style: chr1-94021846-C-A. GRCh37 (hg19) VCF-style: chr1-94487402-C-A.
Other names: c.4551G>T, p.Gly1517= (NM_001425324.1).
Identifiers: ClinVar variation 866944 (VCV000866944.13), dbSNP rs751844313, ClinGen allele CA957488.
Genomic context (GRCh38, chr1:94,021,846, plus strand): 5'-TCATTCATGGTAGTTAAGCAAGTCAAAAATCCTACTCAAATCTCCAGTCTGTTTACATAC[C>A]CCGCTCACATTCATGATCCGGCCAAGGTCGCTTAAAAACCCAACAAGTGCTTCCCCCGTG-3'
Protein context (NP_000341.2, residues 1581-1601): SDLGRIMNVS[Gly1591=]GPITREASKE